The following is an entry in ClinVar:

ClinVar aggregate classification (germline): Uncertain significance (1 of 4 stars; one submission).

Conditions:
Capillary malformation-arteriovenous malformation syndrome. Also called: Capillary malformation-arteriovenous malformation. Identifiers: Orphanet 137667, MedGen C1842180, MONDO:0012016.

Allele frequency attached by ClinVar (database versions not stated): gnomAD 0.00002; TOPMed 0.00002.
gnomAD v4.1: 9 of 1,613,924 alleles (0.00056%); highest among the groups gnomAD compares: Non-Finnish European, 0.00068%; no homozygotes.

Submission:

Labcorp Genetics (formerly Invitae), Labcorp
Classification: Uncertain significance for Capillary malformation-arteriovenous malformation syndrome. Last evaluated: 2026-01-27. Review status: criteria provided, single submitter. Criteria: Invitae Variant Classification Sherloc (09022015). Collection method: clinical testing. Allele origin: germline.
Comment: This sequence change replaces glutamic acid, which is acidic and polar, with aspartic acid, which is acidic and polar, at codon 720 of the RASA1 protein (p.Glu720Asp). This variant is present in population databases (no rsID available, gnomAD 0.002%). This variant has not been reported in the literature in individuals affected with RASA1-related conditions. ClinVar contains an entry for this variant (Variation ID: 2973079). An algorithm developed to predict the effect of missense changes on protein structure and function (PolyPhen-2) suggests that this variant is likely to be tolerated. In summary, the available evidence is currently insufficient to determine the role of this variant in disease. Therefore, it has been classified as a Variant of Uncertain Significance.

NM_002890.3(RASA1):c.2160A>C (p.Glu720Asp)

Genes: CCNH (cyclin H; minus strand), RASA1 (RAS p21 protein activator 1; plus strand). Cytogenetic location: 5q14.3.
Variant type: single nucleotide variant.
Coding change: c.2160A>C on transcript NM_002890.3 (MANE Select); coding-DNA position 2160, A replaced by C.
Protein change: p.Glu720Asp; replaces glutamic acid 720 with aspartic acid.
Molecular consequence: missense variant. On other transcripts: intron variant (1).
Genome position (GRCh38, 1-based): chr5:87,376,541, A>C. VCF-style: chr5-87376541-A-C. GRCh37 (hg19) VCF-style: chr5-86672358-A-C.
Other names: c.1629A>C, p.Glu543Asp (NM_022650.3); c.933+18503T>G (NM_001364075.2); short protein forms E720D, E543D.
Identifiers: ClinVar variation 2973079 (VCV002973079.3), dbSNP rs1394592820, ClinGen allele CA360379473.